The following is an entry in ClinVar:

NM_001164665.2(KIAA1549):c.5419G>A (p.Val1807Met)

Gene: KIAA1549 (KIAA1549; minus strand). Cytogenetic location: 7q34.
Variant type: single nucleotide variant.
Coding change: c.5419G>A on transcript NM_001164665.2 (MANE Select); coding-DNA position 5419, G replaced by A.
Protein change: p.Val1807Met; replaces valine 1807 with methionine.
Molecular consequence: missense variant.
Genome position (GRCh38, 1-based): chr7:138,844,350, C>T on the plus strand (G>A on the coding strand, the complement: KIAA1549 is on the minus strand). VCF-style: chr7-138844350-C-T. GRCh37 (hg19) VCF-style: chr7-138529095-C-T.
Other names: c.5419G>A, p.Val1807Met (NM_020910.3); short protein forms V1807M.
Identifiers: ClinVar variation 1377260 (VCV001377260.6), dbSNP rs1259444057, ClinGen allele CA369388447.

ClinVar aggregate classification (germline): Uncertain significance (1 of 4 stars; one submission).

Allele frequency attached by ClinVar (database versions not stated): gnomAD exomes below 0.00001; TOPMed 0.00001.
gnomAD v4.1: 2 of 1,613,950 alleles (0.00012%); highest among the groups gnomAD compares: Non-Finnish European, 0.000085%; no homozygotes.

Submission:

Labcorp Genetics (formerly Invitae), Labcorp
Classification: Uncertain significance. Last evaluated: 2024-10-25. Review status: criteria provided, single submitter. Criteria: Invitae Variant Classification Sherloc (09022015). Collection method: clinical testing. Allele origin: germline.
Comment: This sequence change replaces valine, which is neutral and non-polar, with methionine, which is neutral and non-polar, at codon 1807 of the KIAA1549 protein (p.Val1807Met). This variant is not present in population databases (gnomAD no frequency). This variant has not been reported in the literature in individuals affected with KIAA1549-related conditions. ClinVar contains an entry for this variant (Variation ID: 1377260). An algorithm developed to predict the effect of missense changes on protein structure and function (PolyPhen-2) suggests that this variant is likely to be disruptive. In summary, the available evidence is currently insufficient to determine the role of this variant in disease. Therefore, it has been classified as a Variant of Uncertain Significance.